The following is an entry in ClinVar:

ClinVar aggregate classification (germline): Uncertain significance (1 of 4 stars; one submission).

Submission:

ISCA site 4
Classification: Uncertain significance. Last evaluated: 2011-08-12. Review status: criteria provided, single submitter. Criteria: Kaminsky et al. (Genet Med. 2011). Collection method: clinical testing. Allele origin: de novo. Affected: yes. Observed: 1 variant allele.
Comment: Copy number variation identified through the course of routine clinical cytogenomic testing in postnatal populations. Clinical assertions have been curated as described in Kaminsky et al. 2011.

GRCh38/hg38 16p13.3(chr16:3710449-4644951)x3

Genes: ADCY9 (adenylate cyclase 9; minus strand), C16orf96 (chromosome 16 open reading frame 96; plus strand), CDIP1 (cell death inducing p53 target 1; minus strand), CORO7 (coronin 7; minus strand), CORO7-PAM16 (CORO7-PAM16 readthrough; minus strand) and 51 more. Cytogenetic location: 16p13.3.
Variant type: copy number gain.
Change: copy number 3 (three copies instead of two) of chr16:3,710,449-4,644,951 (934.5 kb, GRCh38 coordinates, 1-based), cytogenetic band 16p13.3.
Identifiers: ClinVar variation 57281 (VCV000057281.1).